The following is an entry in ClinVar:

NM_000541.5(SAG):c.376T>C (p.Phe126Leu)

Gene: SAG (S-antigen visual arrestin; plus strand). Cytogenetic location: 2q37.1.
Variant type: single nucleotide variant.
Coding change: c.376T>C on transcript NM_000541.5 (MANE Select); coding-DNA position 376, T replaced by C.
Protein change: p.Phe126Leu; replaces phenylalanine 126 with leucine.
Molecular consequence: missense variant.
Genome position (GRCh38, 1-based): chr2:233,322,946, T>C. VCF-style: chr2-233322946-T-C. GRCh37 (hg19) VCF-style: chr2-234231592-T-C.
Other names: short protein forms F126L.
Identifiers: ClinVar variation 4726226 (VCV004726226.1).

ClinVar aggregate classification (germline): Uncertain significance (1 of 4 stars; one submission).

Submission:

Labcorp Genetics (formerly Invitae), Labcorp
Classification: Uncertain significance. Last evaluated: 2025-11-04. Review status: criteria provided, single submitter. Criteria: Invitae Variant Classification Sherloc (09022015). Collection method: clinical testing. Allele origin: germline.
Comment: This sequence change replaces phenylalanine, which is neutral and non-polar, with leucine, which is neutral and non-polar, at codon 126 of the SAG protein (p.Phe126Leu). This variant is not present in population databases (gnomAD no frequency). This variant has not been reported in the literature in individuals affected with SAG-related conditions. An algorithm developed to predict the effect of missense changes on protein structure and function (PolyPhen-2) suggests that this variant is likely to be tolerated. In summary, the available evidence is currently insufficient to determine the role of this variant in disease. Therefore, it has been classified as a Variant of Uncertain Significance.